The following is an entry in ClinVar:

NM_007294.4(BRCA1):c.5533T>G (p.Tyr1845Asp)

Gene: BRCA1 (BRCA1 DNA repair associated; minus strand). Cytogenetic location: 17q21.31.
Variant type: single nucleotide variant.
Coding change: c.5533T>G on transcript NM_007294.4 (MANE Select); coding-DNA position 5533, T replaced by G.
Protein change: p.Tyr1845Asp; replaces tyrosine 1845 with aspartic acid.
Molecular consequence: missense variant. On other transcripts: 3 prime UTR variant (1), non-coding transcript variant (1).
Genome position (GRCh38, 1-based): chr17:43,045,737, A>C on the plus strand (T>G on the coding strand, the complement: BRCA1 is on the minus strand). VCF-style: chr17-43045737-A-C. GRCh37 (hg19) VCF-style: chr17-41197754-A-C.
Other names: c.5530T>G, p.Tyr1844Asp (NM_001407622.1, NM_001407623.1, NM_001407624.1 and 14 more transcripts); c.5527T>G, p.Tyr1843Asp (NM_001407627.1, NM_001407628.1, NM_001407629.1 and 13 more transcripts); c.5320T>G, p.Tyr1774Asp (NM_001407571.1, NM_001407907.1, NM_001407908.1 and 12 more transcripts); c.5599T>G, p.Tyr1867Asp (NM_001407581.1, NM_001407582.1); c.5596T>G, p.Tyr1866Asp (NM_001407583.1, NM_001407585.1, NM_001407587.1 and 1 more transcripts); c.5593T>G, p.Tyr1865Asp (NM_001407590.1, NM_001407591.1); c.5533T>G, p.Tyr1845Asp (NM_001407593.1, NM_001407594.1, NM_001407596.1 and 5 more transcripts); c.5455T>G, p.Tyr1819Asp (NM_001407654.1, NM_001407655.1, NM_001407652.1 and 1 more transcripts); and 74 more; short protein forms Y1798D, Y741D, Y1845D, Y1866D, Y1676D, Y1716D, Y1732D, Y1774D.
Identifiers: ClinVar variation 869017 (VCV000869017.3), dbSNP rs2050869285, ClinGen allele CA10590255.

Conditions:
Breast-ovarian cancer, familial, susceptibility to, 1 (BROVCA1). Also called: BRCA1 Hereditary Breast and Ovarian Cancer; OVARIAN CANCER, SUSCEPTIBILITY TO. Identifiers: Orphanet 145, MedGen C2676676, MONDO:0011450, OMIM 604370. Disease mechanism: loss of function.

Submission:

Brotman Baty Institute, University of Washington
No classification provided (evidence only). Condition: Breast-ovarian cancer, familial 1. Review status: no classification provided. Collection method: in vitro. Allele origin: not applicable. Functional consequence: function_uncertain_variant.
ClinVar note: "not provided" was previously submitted as the classification for the variant. However, the classification appeared to be based only on an observation of functional data so it was converted to no classification on 2025-07-30.